The following is an entry in ClinVar:

ClinVar aggregate classification (germline): Pathogenic (1 of 4 stars; one submission).

Submission:

Labcorp Genetics (formerly Invitae), Labcorp
Classification: Pathogenic. Last evaluated: 2023-09-08. Review status: criteria provided, single submitter. Criteria: Invitae Variant Classification Sherloc (09022015). Collection method: clinical testing. Allele origin: unknown.
Comment: This variant is a gross deletion of the genomic region encompassing exon(s) 27-29 of the COL9A3 gene. This deletion is out-of-frame, and is expected to create a premature termination codon and result in an absent or disrupted protein product. Loss-of-function variants in COL9A3 are known to be pathogenic (PMID: 24273071, 31090205). This variant has not been reported in the literature in individuals affected with COL9A3-related conditions. For these reasons, this variant has been classified as Pathogenic.

Literature cited by the submitters: PubMed 24273071; PubMed 31090205.

NC_000020.10:g.(?_61467253)_(61467904_?)del

Gene: COL9A3 (collagen type IX alpha 3 chain; plus strand). Cytogenetic location: 20q13.33.
Variant type: Deletion.
Identifiers: ClinVar variation 3248329 (VCV003248329.1).